The following is an entry in ClinVar:

NM_004370.6(COL12A1):c.383C>T (p.Thr128Ile)

Gene: COL12A1 (collagen type XII alpha 1 chain; minus strand). Cytogenetic location: 6q13.
Variant type: single nucleotide variant.
Coding change: c.383C>T on transcript NM_004370.6 (MANE Select); coding-DNA position 383, C replaced by T.
Protein change: p.Thr128Ile; replaces threonine 128 with isoleucine.
Molecular consequence: missense variant. On other transcripts: intron variant (1).
Genome position (GRCh38, 1-based): chr6:75,191,712, G>A on the plus strand (C>T on the coding strand, the complement: COL12A1 is on the minus strand). VCF-style: chr6-75191712-G-A. GRCh37 (hg19) VCF-style: chr6-75901428-G-A.
Other names: c.73+11008C>T (NM_080645.3); short protein forms T128I.
Identifiers: ClinVar variation 956973 (VCV000956973.7), dbSNP rs751811370, ClinGen allele CA3894444.

ClinVar aggregate classification (germline): Uncertain significance (1 of 4 stars; one submission).

Conditions:
Ullrich congenital muscular dystrophy 2 (UCMD2). Identifiers: Orphanet 75840, MedGen C4225314, MONDO:0014654, OMIM 616470.
Bethlem myopathy 2 (BTHLM2). Identifiers: Orphanet 536516, Orphanet 610, MedGen C4225313, MONDO:0034022, OMIM 616471.

Allele frequency attached by ClinVar (database versions not stated): gnomAD exomes below 0.00001; ExAC 0.00001; gnomAD 0.00001.
gnomAD v4.1: 3 of 1,594,514 alleles (0.00019%); no homozygotes.

Submission:

Labcorp Genetics (formerly Invitae), Labcorp
Classification: Uncertain significance for Bethlem myopathy 2; Ullrich congenital muscular dystrophy 2. Last evaluated: 2025-08-16. Review status: criteria provided, single submitter. Criteria: Invitae Variant Classification Sherloc (09022015). Collection method: clinical testing. Allele origin: germline.
Comment: This sequence change replaces threonine, which is neutral and polar, with isoleucine, which is neutral and non-polar, at codon 128 of the COL12A1 protein (p.Thr128Ile). This variant is present in population databases (rs751811370, gnomAD no frequency). This variant has not been reported in the literature in individuals affected with COL12A1-related conditions. ClinVar contains an entry for this variant (Variation ID: 956973). An algorithm developed to predict the effect of missense changes on protein structure and function (PolyPhen-2) suggests that this variant is likely to be tolerated. In summary, the available evidence is currently insufficient to determine the role of this variant in disease. Therefore, it has been classified as a Variant of Uncertain Significance.